The following is an entry in ClinVar:

ClinVar aggregate classification (germline): Likely benign. Review status: criteria provided, multiple submitters, no conflicts (2 of 4 stars). 5 submissions from 5 submitters: Likely benign (5). Last evaluated 2025-11-06.

Conditions:
Baraitser-Winter syndrome 1 (BRWS1). Also called: PACHYGYRIA, MENTAL RETARDATION, EPILEPSY, AND CHARACTERISTIC FACIES; MENTAL RETARDATION WITH EPILEPSY AND CHARACTERISTIC FACIES; Cerebrofrontofacial syndrome; BARAITSER-WINTER SYNDROME 1, ATYPICAL. Identifiers: Orphanet 2649, Orphanet 2995, MedGen C1855722, MONDO:0009470, OMIM 243310.
Developmental malformations-deafness-dystonia syndrome (DDS1). Identifiers: Orphanet 79107, MedGen C5848323, MONDO:0011823, OMIM 607371.

Allele frequency attached by ClinVar (database versions not stated): gnomAD exomes 0.00002 and 0.00001; TOPMed 0.00002; ExAC 0.00001; gnomAD 0.00001.

Submissions (5):

Labcorp Genetics (formerly Invitae), Labcorp
Classification: Likely benign for Baraitser-Winter syndrome 1. Last evaluated: 2025-11-06. Review status: criteria provided, single submitter. Criteria: Invitae Variant Classification Sherloc (09022015). Collection method: clinical testing. Allele origin: germline.

CeGaT Center for Human Genetics Tuebingen
Classification: Likely benign. Last evaluated: 2025-09-01. Review status: criteria provided, single submitter. Criteria: CeGaT Center For Human Genetics Tuebingen Variant Classification Criteria Version 2. Collection method: clinical testing. Allele origin: germline. Affected: yes. Observed: 1 variant allele.
Comment: ACTB: BP4, BP7

Women's Health and Genetics/Laboratory Corporation of America, LabCorp
Classification: Likely benign. Last evaluated: 2025-03-04. Review status: criteria provided, single submitter. Criteria: LabCorp Variant Classification Summary - May 2015. Collection method: clinical testing. Allele origin: germline.

Blueprint Genetics
Classification: Likely benign. Last evaluated: 2023-09-13. Review status: criteria provided, single submitter. Criteria: ACMG Guidelines, 2015. Collection method: clinical testing. Allele origin: germline.

Fulgent Genetics
Classification: Likely benign for Baraitser-Winter syndrome 1; Developmental malformations-deafness-dystonia syndrome. Last evaluated: 2021-08-10. Review status: criteria provided, single submitter. Criteria: ACMG Guidelines, 2015. Collection method: clinical testing. Allele origin: unknown.

NM_001101.5(ACTB):c.882C>T (p.Tyr294=)

Gene: ACTB (actin beta; minus strand). Cytogenetic location: 7p22.1.
Variant type: single nucleotide variant.
Coding change: c.882C>T on transcript NM_001101.5 (MANE Select); coding-DNA position 882, C replaced by T.
Protein change: p.Tyr294=; no amino-acid change (tyrosine 294 retained).
Molecular consequence: synonymous variant.
Genome position (GRCh38, 1-based): chr7:5,528,106, G>A on the plus strand (C>T on the coding strand, the complement: ACTB is on the minus strand). VCF-style: chr7-5528106-G-A. GRCh37 (hg19) VCF-style: chr7-5567737-G-A.
Other names: c.882C>T (LRG_132t1).
Identifiers: ClinVar variation 466232 (VCV000466232.21), dbSNP rs774758801, ClinGen allele CA4146898.